The following is an entry in ClinVar:

NM_170601.5(SIAE):c.155C>T (p.Thr52Ile)

Gene: SIAE (sialic acid acetylesterase; minus strand). Cytogenetic location: 11q24.2.
Variant type: single nucleotide variant.
Coding change: c.155C>T on transcript NM_170601.5 (MANE Select); coding-DNA position 155, C replaced by T.
Protein change: p.Thr52Ile; replaces threonine 52 with isoleucine.
Molecular consequence: missense variant.
Genome position (GRCh38, 1-based): chr11:124,669,434, G>A on the plus strand (C>T on the coding strand, the complement: SIAE is on the minus strand). VCF-style: chr11-124669434-G-A. GRCh37 (hg19) VCF-style: chr11-124539330-G-A.
Other names: c.50C>T, p.Thr17Ile (NM_001199922.2); short protein forms T17I, T52I.
Identifiers: ClinVar variation 2849772 (VCV002849772.3), dbSNP rs2496952678, ClinGen allele CA383122132.

ClinVar aggregate classification (germline): Uncertain significance (1 of 4 stars; one submission).

Submission:

Labcorp Genetics (formerly Invitae), Labcorp
Classification: Uncertain significance. Last evaluated: 2023-06-16. Review status: criteria provided, single submitter. Criteria: Invitae Variant Classification Sherloc (09022015). Collection method: clinical testing. Allele origin: germline.
Comment: This sequence change replaces threonine, which is neutral and polar, with isoleucine, which is neutral and non-polar, at codon 52 of the SIAE protein (p.Thr52Ile). This variant is not present in population databases (gnomAD no frequency). This variant has not been reported in the literature in individuals affected with SIAE-related conditions. Algorithms developed to predict the effect of missense changes on protein structure and function output the following: SIFT: "Not Available"; PolyPhen-2: "Benign"; Align-GVGD: "Not Available". The isoleucine amino acid residue is found in multiple mammalian species, which suggests that this missense change does not adversely affect protein function. In summary, the available evidence is currently insufficient to determine the role of this variant in disease. Therefore, it has been classified as a Variant of Uncertain Significance.